The following is an entry in ClinVar:

ClinVar aggregate classification (germline): Pathogenic (0 of 4 stars; one submission).

Conditions:
Paroxysmal extreme pain disorder (PEXPD). Also called: PAIN, SUBMANDIBULAR, OCULAR, AND RECTAL, WITH FLUSHING; RECTAL PAIN, FAMILIAL; SCN9A Paroxysmal Extreme Pain Disorder (SCN9A-PEPD). Identifiers: Orphanet 46348, MedGen C1833661, MONDO:0008179, OMIM 167400.

Submission:

Xenon Pharmaceuticals, Inc.
Classification: Pathogenic for Paroxysmal Extreme Pain Disorder. Last evaluated: 2014-01-01. Review status: no assertion criteria provided. Collection method: clinical testing. Allele origin: de novo. Affected: yes. Observed: 1 variant allele.
Comment: Variant is also found in another patient with the same disease published by Fertlemen et al 2006 (DOI 10.1016/j.neuron.2006.10.006).

NM_001365536.1(SCN9A):c.4417T>G (p.Phe1473Val)

Genes: SCN9A (sodium voltage-gated channel alpha subunit 9; minus strand), SCN1A-AS1 (SCN1A and SCN9A antisense RNA 1; plus strand). Cytogenetic location: 2q24.3.
Variant type: single nucleotide variant.
Coding change: c.4417T>G on transcript NM_001365536.1 (MANE Select); coding-DNA position 4417, T replaced by G.
Protein change: p.Phe1473Val; replaces phenylalanine 1473 with valine.
Molecular consequence: missense variant.
Genome position (GRCh38, 1-based): chr2:166,204,446, A>C on the plus strand (T>G on the coding strand, the complement: SCN9A is on the minus strand). VCF-style: chr2-166204446-A-C. GRCh37 (hg19) VCF-style: chr2-167060956-A-C.
Other names: c.4384T>G, p.Phe1462Val (NM_002977.4); short protein forms F1462V, F1473V.
Identifiers: ClinVar variation 446177 (VCV000446177.2), dbSNP rs1553474394, ClinGen allele CA349058409.